The following is an entry in ClinVar:

NM_001080517.3(SETD5):c.1193A>G (p.Tyr398Cys)

Gene: SETD5 (SET domain containing 5; plus strand). Cytogenetic location: 3p25.3.
Variant type: single nucleotide variant.
Coding change: c.1193A>G on transcript NM_001080517.3 (MANE Select); coding-DNA position 1193, A replaced by G.
Protein change: p.Tyr398Cys; replaces tyrosine 398 with cysteine.
Molecular consequence: missense variant.
Genome position (GRCh38, 1-based): chr3:9,445,053, A>G. VCF-style: chr3-9445053-A-G. GRCh37 (hg19) VCF-style: chr3-9486737-A-G.
Other names: c.899A>G, p.Tyr300Cys (NM_001292043.2, NM_001349451.2); short protein forms Y300C, Y398C.
Identifiers: ClinVar variation 3440233 (VCV003440233.2).
Genomic context (GRCh38, chr3:9,445,053, plus strand): 5'-GTAACTGAATTTCAAGGGTACTGAGACAGGCATTTTGGTTGTTTCTTTGGAGCAGTAATT[A>G]TAAAGTGGACTGTGCCTGTCACAAGGGAAACCGGAATTGTCCTATACAAAAAAGGAATCC-3'
Protein context (NP_001073986.1, residues 388-408): AFDYEYSNCN[Tyr398Cys]KVDCACHKGN

ClinVar aggregate classification (germline): Uncertain significance (1 of 4 stars; one submission).

Conditions:
Inborn genetic diseases. Identifiers: MedGen C0950123, MeSH D030342.

gnomAD v4.1: 1 of 1,612,760 alleles (0.000062%); no homozygotes.

Submission:

Ambry Genetics
Classification: Uncertain significance for Inborn genetic diseases. Last evaluated: 2025-03-04. Review status: criteria provided, single submitter. Criteria: Ambry Variant Classification Scheme 2023. Collection method: clinical testing. Allele origin: germline.
Comment: The c.1193A>G (p.Y398C) alteration is located in exon 12 (coding exon 10) of the SETD5 gene. This alteration results from a A to G substitution at nucleotide position 1193, causing the tyrosine (Y) at amino acid position 398 to be replaced by a cysteine (C). This variant was not reported in population-based cohorts in the Genome Aggregation Database (gnomAD). This amino acid position is highly conserved in available vertebrate species. This missense alteration is located in a region that has a low rate of benign missense variation (Lek, 2016; Firth, 2009). This alteration is predicted to be deleterious by in silico analysis. Based on insufficient or conflicting evidence, the clinical significance of this alteration remains unclear.